The following is an entry in ClinVar:

NM_001278116.2(L1CAM):c.3747del (p.Ile1250fs)

Gene: L1CAM (L1 cell adhesion molecule; minus strand). Cytogenetic location: Xq28.
Variant type: Deletion.
Coding change: c.3747del on transcript NM_001278116.2 (MANE Select); coding-DNA position 3747, one base deleted (C; older notation c.3747delC).
Protein change: p.Ile1250fs; shifts the reading frame from isoleucine 1250.
Molecular consequence: frameshift variant.
Genome position (GRCh38, 1-based): chrX:153,862,690, G deleted on the plus strand (C on the coding strand, the reverse complement: L1CAM is on the minus strand); the first of 5 consecutive G bases (chrX:153,862,690-153,862,694); deleting any one gives the same sequence. VCF-style (leftmost placement, unchanged base first): chrX-153862689-TG-T. GRCh37 (hg19) VCF-style: chrX-153128144-TG-T.
Other names: c.3747del, p.Ile1250fs (NM_000425.5); c.3720del, p.Ile1241fs (NM_001143963.2); c.3735del, p.Ile1246fs (NM_024003.3); short protein forms I1246fs, I1241fs, I1250fs.
Identifiers: ClinVar variation 4717922 (VCV004717922.1).

ClinVar aggregate classification (germline): Uncertain significance (1 of 4 stars; one submission).

Conditions:
Spastic paraplegia. Identifiers: MedGen C0037772, HP:0001258.

Submission:

Labcorp Genetics (formerly Invitae), Labcorp
Classification: Uncertain significance for Spastic paraplegia. Last evaluated: 2025-04-28. Review status: criteria provided, single submitter. Criteria: Invitae Variant Classification Sherloc (09022015). Collection method: clinical testing. Allele origin: germline.
Comment: This sequence change creates a premature translational stop signal (p.Ile1250Serfs*7) in the L1CAM gene. While this is not anticipated to result in nonsense mediated decay, it is expected to disrupt the last 8 amino acid(s) of the L1CAM protein. This variant is not present in population databases (gnomAD no frequency). This variant has not been reported in the literature in individuals affected with L1CAM-related conditions. Experimental studies and prediction algorithms are not available or were not evaluated, and the functional significance of this variant is currently unknown. In summary, the available evidence is currently insufficient to determine the role of this variant in disease. Therefore, it has been classified as a Variant of Uncertain Significance.